The following is an entry in ClinVar:

NM_002907.4(RECQL):c.650C>T (p.Ala217Val)

Gene: RECQL (RecQ like helicase; minus strand). Cytogenetic location: 12p12.1.
Variant type: single nucleotide variant.
Coding change: c.650C>T on transcript NM_002907.4 (MANE Select); coding-DNA position 650, C replaced by T.
Protein change: p.Ala217Val; replaces alanine 217 with valine.
Molecular consequence: missense variant.
Genome position (GRCh38, 1-based): chr12:21,483,426, G>A on the plus strand (C>T on the coding strand, the complement: RECQL is on the minus strand). VCF-style: chr12-21483426-G-A. GRCh37 (hg19) VCF-style: chr12-21636360-G-A.
Other names: c.650C>T, p.Ala217Val (NM_032941.3); short protein forms A217V.
Identifiers: ClinVar variation 2586019 (VCV002586019.2), dbSNP rs2137373855, ClinGen allele CA384126916.

ClinVar aggregate classification (germline): Uncertain significance (1 of 4 stars; one submission).

Submission:

Ambry Genetics
Classification: Uncertain significance. Last evaluated: 2023-08-29. Review status: criteria provided, single submitter. Criteria: Ambry Variant Classification Scheme 2023. Collection method: clinical testing. Allele origin: germline.
Comment: The p.A217V variant (also known as c.650C>T), located in coding exon 5 of the RECQL gene, results from a C to T substitution at nucleotide position 650. The alanine at codon 217 is replaced by valine, an amino acid with similar properties. This amino acid position is conserved. In addition, this alteration is predicted to be tolerated by in silico analysis. Since supporting evidence is limited at this time, the clinical significance of this alteration remains unclear.